The following is an entry in ClinVar:

ClinVar aggregate classification (germline): Likely benign. Review status: criteria provided, multiple submitters, no conflicts (2 of 4 stars). 3 submissions from 3 submitters: Likely benign (3). Last evaluated 2026-01-04.

Conditions:
DYNC1H1-related disorder. Also called: DYNC1H1-related condition; DYNC1H1-related disorders. Identifiers: MedGen CN381529.
Charcot-Marie-Tooth disease axonal type 2O. Also called: CHARCOT-MARIE-TOOTH NEUROPATHY, AXONAL, TYPE 2O; CHARCOT-MARIE-TOOTH DISEASE, AXONAL, AUTOSOMAL DOMINANT, TYPE 2O; Charcot-Marie-Tooth disease, axonal, type 20; Charcot-Marie-Tooth Neuropathy Type 2O. Identifiers: Orphanet 284232, MedGen C3280220, MONDO:0013644, OMIM 614228.

Allele frequency attached by ClinVar (database versions not stated): ExAC 0.00001; gnomAD exomes 0.00001; gnomAD 0.00002 and 0.00003; TOPMed 0.00003.
gnomAD v4.1: 17 of 1,614,000 alleles (0.0011%); highest among the groups gnomAD compares: Middle Eastern, 0.016%; no homozygotes.

Submissions (3):

Labcorp Genetics (formerly Invitae), Labcorp
Classification: Likely benign for Charcot-Marie-Tooth disease axonal type 2O. Last evaluated: 2026-01-04. Review status: criteria provided, single submitter. Criteria: Invitae Variant Classification Sherloc (09022015). Collection method: clinical testing. Allele origin: germline.

PreventionGenetics, part of Exact Sciences
Classification: Likely benign for DYNC1H1-related condition. Last evaluated: 2025-12-11. Review status: criteria provided, single submitter. Criteria: ACMG Guidelines, 2015. Collection method: clinical testing. Allele origin: germline.
Comment: This variant is classified as likely benign based on ACMG/AMP sequence variant interpretation guidelines (Richards et al. 2015 PMID: 25741868, with internal and published modifications).

ARUP Laboratories, Molecular Genetics and Genomics, ARUP Laboratories
Classification: Likely benign. Last evaluated: 2024-08-06. Review status: criteria provided, single submitter. Criteria: ARUP Molecular Germline Variant Investigation Process 2024. Collection method: clinical testing. Allele origin: germline.

NM_001376.5(DYNC1H1):c.1467G>A (p.Thr489=)

Gene: DYNC1H1 (dynein cytoplasmic 1 heavy chain 1; plus strand). Cytogenetic location: 14q32.31.
Variant type: single nucleotide variant.
Coding change: c.1467G>A on transcript NM_001376.5 (MANE Select); coding-DNA position 1467, G replaced by A.
Protein change: p.Thr489=; no amino-acid change (threonine 489 retained).
Molecular consequence: synonymous variant.
Genome position (GRCh38, 1-based): chr14:101,985,692, G>A. VCF-style: chr14-101985692-G-A. GRCh37 (hg19) VCF-style: chr14-102452029-G-A.
Identifiers: ClinVar variation 565421 (VCV000565421.12), dbSNP rs747710142, ClinGen allele CA7351710.